The following is an entry in ClinVar:

NM_014014.5(SNRNP200):c.2581T>C (p.Tyr861His)

Gene: SNRNP200 (small nuclear ribonucleoprotein U5 subunit 200; minus strand). Cytogenetic location: 2q11.2.
Variant type: single nucleotide variant.
Coding change: c.2581T>C on transcript NM_014014.5 (MANE Select); coding-DNA position 2581, T replaced by C.
Protein change: p.Tyr861His; replaces tyrosine 861 with histidine.
Molecular consequence: missense variant.
Genome position (GRCh38, 1-based): chr2:96,290,487, A>G on the plus strand (T>C on the coding strand, the complement: SNRNP200 is on the minus strand). VCF-style: chr2-96290487-A-G. GRCh37 (hg19) VCF-style: chr2-96956225-A-G.
Other names: short protein forms Y861H.
Identifiers: ClinVar variation 1065772 (VCV001065772.1), dbSNP rs1490753612, ClinGen allele CA347676791.
Genomic context (GRCh38, chr2:96,290,487, plus strand): 5'-ACAGGTAGTACTGTAGCTCCCCATGAGATGTGATGAGTATGCCTTCACCCTTGGTGTCAT[A>G]CTGGGGTCTTCCGGCACGTCCCAGCATCTAGATCAGAGACAGCGAACCAAGAATGCTATG-3'
Protein context (NP_054733.2, residues 851-871): QMLGRAGRPQ[Tyr861His]DTKGEGILIT

ClinVar aggregate classification (germline): Uncertain significance (1 of 4 stars; one submission).

Conditions:
Retinitis pigmentosa 33 (RP33). Identifiers: Orphanet 791, MedGen C1835895, MONDO:0012477, OMIM 610359.

Allele frequency attached by ClinVar (database versions not stated): gnomAD exomes below 0.00001; TOPMed below 0.00001; gnomAD 0.00001.

Submission:

Ocular Genomics Institute, Massachusetts Eye and Ear
Classification: Uncertain significance for Retinitis pigmentosa 33. Last evaluated: 2021-04-08. Review status: criteria provided, single submitter. Criteria: ACMG Guidelines, 2015. Collection method: research. Allele origin: germline. Affected: yes.
Comment: Through a review of available evidence we were able to apply the following criteria: PM2. Based on this evidence we have classified this variant as Variant of Uncertain Significance.